The following is an entry in ClinVar:

ClinVar aggregate classification (germline): Pathogenic (1 of 4 stars; one submission).

Conditions:
Inborn genetic diseases. Identifiers: MedGen C0950123, MeSH D030342.

Submission:

Ambry Genetics
Classification: Pathogenic for Inborn genetic diseases. Last evaluated: 2022-08-12. Review status: criteria provided, single submitter. Criteria: Ambry Variant Classification Scheme 2023. Collection method: clinical testing. Allele origin: germline.
Comment: The c.1268_1291del24insAT (p.F423Yfs*11) alteration, located in exon 9 (coding exon 9) of the RORA gene, consists of a deletion of 24 and insertion of 2 nucleotides causing a translational frameshift at position 1268 with a predicted alternate stop codon after 11 amino acids. This alteration is expected to result in loss of function by premature protein truncation or nonsense-mediated mRNA decay. This variant was not reported in population-based cohorts in the Genome Aggregation Database (gnomAD). Based on the available evidence, this alteration is classified as pathogenic.

NM_134261.3(RORA):c.1268_1291delinsAT (p.Phe423fs)

Genes: RORA (RAR related orphan receptor A; minus strand), RORA-AS1 (RORA antisense RNA 1; plus strand). Cytogenetic location: 15q22.2.
Variant type: Indel.
Coding change: c.1268_1291delinsAT on transcript NM_134261.3 (MANE Select); coding-DNA positions 1268 to 1291, TTTCTGCATTTGTACTGATGTCAG replaced by AT.
Protein change: p.Phe423fs; shifts the reading frame from phenylalanine 423.
Molecular consequence: frameshift variant.
Genome position (GRCh38, 1-based): chr15:60,500,962-60,500,985, CTGACATCAGTACAAATGCAGAAA replaced by AT on the plus strand (TTTCTGCATTTGTACTGATGTCAG replaced by AT on the coding strand, the reverse complement: RORA is on the minus strand). VCF-style: chr15-60500962-CTGACATCAGTACAAATGCAGAAA-AT. GRCh37 (hg19) VCF-style: chr15-60793161-CTGACATCAGTACAAATGCAGAAA-AT.
Other names: c.1343_1366delinsAT, p.Phe448fs (NM_002943.4); c.1367_1390delinsAT, p.Phe456fs (NM_134260.3); c.1103_1126delinsAT, p.Phe368fs (NM_134262.3); short protein forms F423fs, F456fs, F368fs, F448fs.
Identifiers: ClinVar variation 2304091 (VCV002304091.2), dbSNP rs2541974207, ClinGen allele CA2580089823.
Genomic context (GRCh38, chr15:60,500,962, plus strand): 5'-AAATTCTTTATCTTAGACAATTCGAAAACCATTTTTATTTTTATTTGGTTGTCTTACCTG[CTGACATCAGTACAAATGCAGAAA>AT]ATAATGCAATTTCATCTTCAGTCAGGTGCATAGAACATAAACTCTTTCCAAATTCAAACA-3'